The following is an entry in ClinVar:

NM_001375524.1(TRRAP):c.576_578del (p.Met192del)

Gene: TRRAP (transformation/transcription domain associated protein; plus strand). Cytogenetic location: 7q22.1.
Variant type: Deletion.
Coding change: c.576_578del on transcript NM_001375524.1 (MANE Select); coding-DNA positions 576 to 578, 3 bases deleted (GAT; older notation c.576_578delGAT).
Protein change: p.Met192del; deletes methionine 192.
Molecular consequence: inframe deletion.
Genome position (GRCh38, 1-based): chr7:98,897,809-98,897,811, GAT deleted; deleting any 3 consecutive bases within chr7:98,897,807-98,897,811 gives the same sequence; the c. name uses the placement nearest the transcript's 3' end. VCF-style (leftmost placement, unchanged base first): chr7-98897806-TATG-T. GRCh37 (hg19) VCF-style: chr7-98495429-TATG-T.
Other names: c.576_578del, p.Met192del (NM_001244580.2, NM_003496.4); short protein forms M192del.
Identifiers: ClinVar variation 4074485 (VCV004074485.2).

ClinVar aggregate classification (germline): Uncertain significance (1 of 4 stars; one submission).

Submission:

GeneDx
Classification: Uncertain significance. Last evaluated: 2026-04-15. Review status: criteria provided, single submitter. Criteria: GeneDx Variant Classification Process June 2021. Collection method: clinical testing. Allele origin: germline.
Comment: Not observed at significant frequency in large population cohorts (gnomAD); In-frame deletion of 1 amino acid in a non-repeat region; In silico analysis supports a deleterious effect on protein structure/function; Has not been previously published as pathogenic or benign to our knowledge